The following is an entry in ClinVar:

ClinVar aggregate classification (germline): Uncertain significance. Review status: criteria provided, multiple submitters, no conflicts (2 of 4 stars). 3 submissions from 3 submitters: Uncertain significance (3). Last evaluated 2025-07-28.

Conditions:
Fanconi anemia (FA). Also called: Fanconi's anemia. Identifiers: Orphanet 84, MedGen C0015625, MeSH D005199, MONDO:0019391.

Allele frequency attached by ClinVar (database versions not stated): gnomAD 0.00001; TOPMed 0.00001; gnomAD exomes 0.00002; ExAC 0.00003.
gnomAD v4.1: 24 of 1,608,606 alleles (0.0015%); highest among the groups gnomAD compares: Middle Eastern, 0.016%; no homozygotes.

Submissions (3):

Quest Diagnostics Nichols Institute San Juan Capistrano
Classification: Uncertain significance. Last evaluated: 2025-07-28. Review status: criteria provided, single submitter. Criteria: Quest Diagnostics criteria. Collection method: clinical testing. Allele origin: unknown.
Comment: The FANCM c.4439A>G (p.Gln1480Arg) variant has been reported in the published literature in breast cancer and reportedly unaffected individuals (PMID: 33471991 (2021), 36707629 (2023), see also LOVD). The frequency of this variant in the general population (Genome Aggregation Database) is uninformative in the assessment of its pathogenicity. Analysis of this variant using bioinformatics tools for the prediction of the effect of amino acid changes on protein structure and function yielded predictions that this variant is benign. Based on the available information, we are unable to determine the clinical significance of this variant.

Labcorp Genetics (formerly Invitae), Labcorp
Classification: Uncertain significance for Fanconi anemia. Last evaluated: 2025-07-21. Review status: criteria provided, single submitter. Criteria: Invitae Variant Classification Sherloc (09022015). Collection method: clinical testing. Allele origin: germline.
Comment: This sequence change replaces glutamine, which is neutral and polar, with arginine, which is basic and polar, at codon 1480 of the FANCM protein (p.Gln1480Arg). This variant is present in population databases (rs772095334, gnomAD 0.004%). This variant has not been reported in the literature in individuals affected with FANCM-related conditions. ClinVar contains an entry for this variant (Variation ID: 1394435). An algorithm developed to predict the effect of missense changes on protein structure and function (PolyPhen-2) suggests that this variant is likely to be tolerated. In summary, the available evidence is currently insufficient to determine the role of this variant in disease. Therefore, it has been classified as a Variant of Uncertain Significance.

GeneDx
Classification: Uncertain significance. Last evaluated: 2023-07-17. Review status: criteria provided, single submitter. Criteria: GeneDx Variant Classification Process June 2021. Collection method: clinical testing. Allele origin: germline.
Comment: Not observed at significant frequency in large population cohorts (gnomAD); In silico analysis supports that this missense variant does not alter protein structure/function; Has not been previously published as pathogenic or benign to our knowledge

Literature cited by the submitters: PubMed 36707629 (cited by Quest Diagnostics Nichols Institute San Juan Capistrano); PubMed 33471991 (cited by Quest Diagnostics Nichols Institute San Juan Capistrano).

NM_020937.4(FANCM):c.4439A>G (p.Gln1480Arg)

Gene: FANCM (FA complementation group M; plus strand). Cytogenetic location: 14q21.2.
Variant type: single nucleotide variant.
Coding change: c.4439A>G on transcript NM_020937.4 (MANE Select); coding-DNA position 4439, A replaced by G.
Protein change: p.Gln1480Arg; replaces glutamine 1480 with arginine.
Molecular consequence: missense variant.
Genome position (GRCh38, 1-based): chr14:45,183,826, A>G. VCF-style: chr14-45183826-A-G. GRCh37 (hg19) VCF-style: chr14-45653029-A-G.
Other names: c.4439A>G (NM_020937.2, NM_020937.3); c.4361A>G, p.Gln1454Arg (NM_001308133.2); short protein forms Q1480R, Q1454R.
Identifiers: ClinVar variation 1394435 (VCV001394435.7), dbSNP rs772095334, ClinGen allele CA7169750.